The following is an entry in ClinVar:

NM_003079.5(SMARCE1):c.301G>A (p.Gly101Ser)

Gene: SMARCE1 (SWI/SNF related BAF chromatin remodeling complex subunit E1; minus strand). Cytogenetic location: 17q21.2.
Variant type: single nucleotide variant.
Coding change: c.301G>A on transcript NM_003079.5 (MANE Select); coding-DNA position 301, G replaced by A.
Protein change: p.Gly101Ser; replaces glycine 101 with serine.
Molecular consequence: missense variant.
Genome position (GRCh38, 1-based): chr17:40,636,463, C>T on the plus strand (G>A on the coding strand, the complement: SMARCE1 is on the minus strand). VCF-style: chr17-40636463-C-T. GRCh37 (hg19) VCF-style: chr17-38792715-C-T.
Other names: short protein forms G101S.
Identifiers: ClinVar variation 2100458 (VCV002100458.4), dbSNP rs2143997384, ClinGen allele CA399367291.

ClinVar aggregate classification (germline): Likely pathogenic (1 of 4 stars; one submission).

Conditions:
Familial meningioma. Also called: Meningioma, familial, susceptibility to. Identifiers: Orphanet 263662, MedGen C3551915, MONDO:0011789, OMIM 607174.

Submission:

Labcorp Genetics (formerly Invitae), Labcorp
Classification: Likely pathogenic for Familial meningioma. Last evaluated: 2022-04-08. Review status: criteria provided, single submitter. Criteria: Invitae Variant Classification Sherloc (09022015). Collection method: clinical testing. Allele origin: germline.
Comment: This sequence change replaces glycine, which is neutral and non-polar, with serine, which is neutral and polar, at codon 101 of the SMARCE1 protein (p.Gly101Ser). This variant is not present in population databases (gnomAD no frequency). In summary, the currently available evidence indicates that the variant is pathogenic, but additional data are needed to prove that conclusively. Therefore, this variant has been classified as Likely Pathogenic. Algorithms developed to predict the effect of missense changes on protein structure and function are either unavailable or do not agree on the potential impact of this missense change (SIFT: "Deleterious"; PolyPhen-2: "Probably Damaging"; Align-GVGD: "Class C0"). This missense change has been observed in individual(s) with Coffin-Siris syndrome (Invitae). In at least one individual the variant was observed to be de novo.